The following is an entry in ClinVar:

NM_001162501.2(TNRC6B):c.2270A>G (p.Lys757Arg)

Gene: TNRC6B (trinucleotide repeat containing adaptor 6B; plus strand). Cytogenetic location: 22q13.1.
Variant type: single nucleotide variant.
Coding change: c.2270A>G on transcript NM_001162501.2 (MANE Select); coding-DNA position 2270, A replaced by G.
Protein change: p.Lys757Arg; replaces lysine 757 with arginine.
Molecular consequence: missense variant. On other transcripts: intron variant (1).
Genome position (GRCh38, 1-based): chr22:40,266,500, A>G. VCF-style: chr22-40266500-A-G. GRCh37 (hg19) VCF-style: chr22-40662504-A-G.
Other names: c.2270A>G, p.Lys757Arg (NM_015088.3); c.566-3622A>G (NM_001024843.2); short protein forms K757R.
Identifiers: ClinVar variation 1993925 (VCV001993925.4), dbSNP rs1256669439, ClinGen allele CA411635229.

ClinVar aggregate classification (germline): Uncertain significance (1 of 4 stars; one submission).

Allele frequency attached by ClinVar (database versions not stated): TOPMed below 0.00001; gnomAD 0.00001.
gnomAD v4.1: 1 of 1,613,768 alleles (0.000062%); highest among the groups gnomAD compares: Non-Finnish European, 0.000085%; no homozygotes.

Submission:

Labcorp Genetics (formerly Invitae), Labcorp
Classification: Uncertain significance. Last evaluated: 2022-05-13. Review status: criteria provided, single submitter. Criteria: Invitae Variant Classification Sherloc (09022015). Collection method: clinical testing. Allele origin: germline.
Comment: This sequence change replaces lysine, which is basic and polar, with arginine, which is basic and polar, at codon 757 of the TNRC6B protein (p.Lys757Arg). This variant is not present in population databases (gnomAD no frequency). This variant has not been reported in the literature in individuals affected with TNRC6B-related conditions. Algorithms developed to predict the effect of missense changes on protein structure and function are either unavailable or do not agree on the potential impact of this missense change (SIFT: "Deleterious"; PolyPhen-2: "Probably Damaging"; Align-GVGD: "Class C0"). In summary, the available evidence is currently insufficient to determine the role of this variant in disease. Therefore, it has been classified as a Variant of Uncertain Significance.